The following is an entry in ClinVar:

ClinVar aggregate classification (germline): Uncertain significance (1 of 4 stars; one submission).

Conditions:
Hereditary cancer-predisposing syndrome. Also called: Neoplastic Syndromes, Hereditary; Tumor predisposition; Hereditary Cancer Syndrome; Hereditary neoplastic syndrome. Identifiers: Orphanet 140162, MedGen C0027672, MeSH D009386, MONDO:0015356.

Submission:

Ambry Genetics
Classification: Uncertain significance for Hereditary cancer-predisposing syndrome. Last evaluated: 2025-12-11. Review status: criteria provided, single submitter. Criteria: Ambry Variant Classification Scheme 2023. Collection method: clinical testing. Allele origin: germline.
Comment: The p.Q882H variant (also known as c.2646A>C), located in coding exon 16 of the RAD50 gene, results from an A to C substitution at nucleotide position 2646. The glutamine at codon 882 is replaced by histidine, an amino acid with highly similar properties. This amino acid position is conserved. In addition, this alteration is predicted to be tolerated by in silico analysis. Based on the available evidence, the clinical significance of this variant remains unclear.

NM_005732.4(RAD50):c.2646A>C (p.Gln882His)

Gene: RAD50 (RAD50 double strand break repair protein; plus strand). Cytogenetic location: 5q31.1.
Variant type: single nucleotide variant.
Coding change: c.2646A>C on transcript NM_005732.4 (MANE Select); coding-DNA position 2646, A replaced by C.
Protein change: p.Gln882His; replaces glutamine 882 with histidine.
Molecular consequence: missense variant.
Genome position (GRCh38, 1-based): chr5:132,604,927, A>C. VCF-style: chr5-132604927-A-C. GRCh37 (hg19) VCF-style: chr5-131940619-A-C.
Other names: short protein forms Q882H.
Identifiers: ClinVar variation 4678268 (VCV004678268.1).